The following is an entry in ClinVar:

ClinVar aggregate classification (germline): Uncertain significance. Review status: criteria provided, single submitter (1 of 4 stars). 2 submissions from 2 submitters: Uncertain significance (1). 1 of the submissions does not count toward it. Last evaluated 2025-02-13.

Conditions:
Fanconi anemia complementation group A (FANCA). Also called: Fanconi anemia, group A; FANCA-Related Fanconi Anemia. Identifiers: Orphanet 84, MedGen C3469521, MONDO:0009215, OMIM 227650.

Allele frequency attached by ClinVar (database versions not stated): gnomAD exomes below 0.00001; TOPMed below 0.00001; gnomAD 0.00003.
gnomAD v4.1: 1 of 1,613,574 alleles (0.000062%); highest among the groups gnomAD compares: Non-Finnish European, 0.000085%; no homozygotes.

Submissions (2):

Women's Health and Genetics/Laboratory Corporation of America, LabCorp
Classification: Uncertain significance. Last evaluated: 2025-02-13. Review status: criteria provided, single submitter. Criteria: LabCorp Variant Classification Summary - May 2015. Collection method: clinical testing. Allele origin: germline.
Comment: Variant summary: FANCA c.3798G>A (p.Met1266Ile) results in a conservative amino acid change located in the C-terminal domain (IPR055277) of the encoded protein sequence. Three of five in-silico tools predict a benign effect of the variant on protein function. The variant allele was found at a frequency of 4e-06 in 250758 control chromosomes (gnomAD). The available data on variant occurrences in the general population are insufficient to allow any conclusion about variant significance. c.3798G>A has been reported in the literature in at least one individual affected with Fanconi Anemia (De Rocco_2014), however this individual also carried two other (likely) pathogenic variants in trans, which could explain the phenotype. To our knowledge, no experimental evidence demonstrating an impact on protein function has been reported. The following publication have been ascertained in the context of this evaluation (PMID: 24584348). ClinVar contains an entry for this variant (Variation ID: 552589). Based on the evidence outlined above, the variant was classified as VUS-possibly benign.

Counsyl
Classification: Uncertain significance for Fanconi anemia complementation group A. Last evaluated: 2017-06-27. Review status: no assertion criteria provided. Collection method: clinical testing. Allele origin: unknown. Not counted in ClinVar's aggregate classification.

Literature cited by the submitters: PubMed 24584348 (cited by Women's Health and Genetics/Laboratory Corporation of America, LabCorp and Counsyl).

NM_000135.4(FANCA):c.3798G>A (p.Met1266Ile)

Genes: FANCA (FA complementation group A; minus strand), ZNF276 (zinc finger protein 276; plus strand). Cytogenetic location: 16q24.3.
Variant type: single nucleotide variant.
Coding change: c.3798G>A on transcript NM_000135.4 (MANE Select); coding-DNA position 3798, G replaced by A.
Protein change: p.Met1266Ile; replaces methionine 1266 with isoleucine.
Molecular consequence: missense variant. On other transcripts: 3 prime UTR variant (2), non-coding transcript variant (4).
Genome position (GRCh38, 1-based): chr16:89,740,834, C>T on the plus strand (G>A on the coding strand, the complement: FANCA is on the minus strand). VCF-style: chr16-89740834-C-T. GRCh37 (hg19) VCF-style: chr16-89807242-C-T.
Other names: c.3798G>A, p.Met1266Ile (NM_001286167.3); c.*2588C>T (NM_001113525.2, NM_152287.4); short protein forms M1266I.
Identifiers: ClinVar variation 552589 (VCV000552589.3), dbSNP rs1443680543, ClinGen allele CA397485185.